The following is an entry in ClinVar:

ClinVar aggregate classification (germline): Conflicting classifications of pathogenicity. Review status: criteria provided, conflicting classifications (1 of 4 stars). 3 submissions from 3 submitters: Uncertain significance (1); Benign (1). 1 of the submissions does not count toward it. Last evaluated 2025-09-28.

Conditions:
ICOS-related disorder. Also called: ICOS-related condition.
Immunodeficiency, common variable, 1. Also called: ANTIBODY DEFICIENCY DUE TO ICOS DEFECT. Identifiers: Orphanet 1572, Orphanet 695183, MedGen C3149378, MONDO:0011864, OMIM 607594.

Allele frequency attached by ClinVar (database versions not stated): ExAC 0.00039; 1000 Genomes Project 30x 0.00187; gnomAD 0.00012 and 0.00020; TOPMed 0.00013; 1000 Genomes Project 0.00220; gnomAD exomes 0.00044.
gnomAD v4.1: 154 of 1,613,178 alleles (0.0095%); highest among the groups gnomAD compares: East Asian, 0.33%; no homozygotes.

Submissions (3):

Labcorp Genetics (formerly Invitae), Labcorp
Classification: Benign for Immunodeficiency, common variable, 1. Last evaluated: 2025-09-28. Review status: criteria provided, single submitter. Criteria: Invitae Variant Classification Sherloc (09022015). Collection method: clinical testing. Allele origin: germline.

Illumina Laboratory Services, Illumina
Classification: Uncertain significance for Immunodeficiency, common variable, 1. Last evaluated: 2018-01-13. Review status: criteria provided, single submitter. Criteria: ICSL Variant Classification Criteria 13 December 2019. Collection method: clinical testing. Allele origin: germline.

PreventionGenetics, part of Exact Sciences
Classification: Likely benign for ICOS-related condition. Last evaluated: 2021-12-16. Review status: no assertion criteria provided. Collection method: clinical testing. Allele origin: germline. Not counted in ClinVar's aggregate classification.
Comment: This variant is classified as likely benign based on ACMG/AMP sequence variant interpretation guidelines (Richards et al. 2015 PMID: 25741868, with internal and published modifications).

NM_012092.4(ICOS):c.591G>A (p.Val197=)

Gene: ICOS (inducible T cell costimulator; plus strand). Cytogenetic location: 2q33.2.
Variant type: single nucleotide variant.
Coding change: c.591G>A on transcript NM_012092.4 (MANE Select); coding-DNA position 591, G replaced by A.
Protein change: p.Val197=; no amino-acid change (valine 197 retained).
Molecular consequence: synonymous variant.
Genome position (GRCh38, 1-based): chr2:203,959,590, G>A. VCF-style: chr2-203959590-G-A. GRCh37 (hg19) VCF-style: chr2-204824313-G-A.
Identifiers: ClinVar variation 333737 (VCV000333737.18), dbSNP rs55655222, ClinGen allele CA2067349.
Genomic context (GRCh38, chr2:203,959,590, plus strand): 5'-TAGGGAACTGGCACATGGAGAGCATTTAGATAATTTATGCTGAATTTTTGTTACAGATGT[G>A]ACCCTATAATATGGAACTCTGGCACCCAGGCATGAAGCACGTTGGCCAGTTTTCCTCAAC-3'
Protein context (NP_036224.1, residues 187-199): NTAKKSRLTD[Val197=]TL